The following is an entry in ClinVar:

ClinVar aggregate classification (germline): Pathogenic (3 of 4 stars; one submission).

Conditions:
Glanzmann thrombasthenia. Also called: THROMBASTHENIA OF GLANZMANN AND NAEGELI; BLEEDING DISORDER, PLATELET-TYPE, 2; Thrombasthenia; PLATELET GLYCOPROTEIN IIb-IIIa DEFICIENCY; Glanzmann's thrombasthenia. Identifiers: Orphanet 849, MedGen C0040015, MONDO:0100326.

Submission:

ClinGen Platelet Disorders Variant Curation Expert Panel, ClinGen
Classification: Pathogenic for Glanzmann thrombasthenia. Last evaluated: 2021-11-04. Review status: reviewed by expert panel. Criteria: ClinGen Platelet ACMG Specifications v2. Collection method: curation. Allele origin: germline. Inheritance: Autosomal recessive inheritance.
Comment: NM_000212.3(ITGB3):c.756del (p.Met253CysfsTer30) in exon 5 is a frameshift variant predicted to cause a premature stop codon in biologically-relevant-exon 6/15 and is predicted to lead to nonsense mediated decay (PVS1). GT1 of PMID: 32237906 displayed mucocutaneous bleeding and impaired aggregation with all agonists except ristocetin, which is highly specific for Glanzmann thrombasthenia (PP4_moderate). Additionally, β3 surface expression was reduced to 1.2%, as measured by flow cytometry. This variant is absent from gnomAD v2.1.1 (PM2_Supporting; PM3_Supporting). In summary, this variant meets the criteria to be classified as Pathogenic for autosomal recessive Glanzmann Thrombasthenia based on the ACMG/AMP criteria applied, as specified by the ClinGen PD VCEP: PVS1, PP4_moderate, PM2_supporting, PM3_supporting. (VCEP specifications version 2; date of approval 11/04/2021)

NM_000212.3(ITGB3):c.756del (p.Met253fs)

Genes: ITGB3 (integrin subunit beta 3; plus strand), LOC130061044 (ATAC-STARR-seq lymphoblastoid active region 12308; plus strand). Cytogenetic location: 17q21.32.
Variant type: Deletion.
Coding change: c.756del on transcript NM_000212.3 (MANE Select); coding-DNA position 756, one base deleted (C; older notation c.756delC).
Protein change: p.Met253fs; shifts the reading frame from methionine 253.
Molecular consequence: frameshift variant.
Genome position (GRCh38, 1-based): chr17:47,286,401, C deleted. VCF-style (leftmost placement, unchanged base first): chr17-47286400-TC-T. GRCh37 (hg19) VCF-style: chr17-45363766-TC-T.
Other names: NM_000212.3:c.756del; short protein forms M253fs.
Identifiers: ClinVar variation 1330321 (VCV001330321.1), dbSNP rs2143097158, ClinGen allele CA923726221.